The following is an entry in ClinVar:

ClinVar aggregate classification (germline): Pathogenic. Review status: criteria provided, multiple submitters, no conflicts (2 of 4 stars). 7 submissions from 7 submitters: Pathogenic (7). Last evaluated 2025-09-23.

Conditions:
KMT2D-related disorder. Also called: KMT2D-Related Disorders.
Kabuki syndrome 1 (KABUK1). Also called: KMT2D-Related Kabuki Syndrome. Identifiers: Orphanet 2322, MedGen CN030661, MONDO:0007843, OMIM 147920.
Choanal atresia-athelia-hypothyroidism-delayed puberty-short stature syndrome (BCAHH). Also called: BRANCHIAL ARCH ABNORMALITIES, CHOANAL ATRESIA, ATHELIA, HEARING LOSS, AND HYPOTHYROIDISM SYNDROME. Identifiers: Orphanet 589856, MedGen C5680310, MONDO:0035651, OMIM 620186.
Inborn genetic diseases. Identifiers: MedGen C0950123, MeSH D030342.
Kabuki syndrome. Also called: Kabuki make-up syndrome; NIIKAWA-KUROKI SYNDROME. Identifiers: Orphanet 2322, MedGen C0796004, MONDO:0016512.

gnomAD v4.1: 1 of 1,613,620 alleles (0.000062%); no homozygotes.

Submissions (7):

Variantyx, Inc.
Classification: Pathogenic for Kabuki syndrome 1. Last evaluated: 2025-09-23. Review status: criteria provided, single submitter. Criteria: Variantyx Assertion Criteria 2022. Collection method: clinical testing. Allele origin: de novo. Inheritance: Autosomal dominant inheritance. Affected: yes.
Comment: This is a nonsense variant in the KMT2D gene (OMIM: 602113). Pathogenic variants in this gene have been associated with autosomal dominant Kabuki syndrome 1. This variant introduces a premature termination codon in exon 51 out of 55 and is expected to result in loss of function, which is a known disease mechanism for KMT2D in this disorder (PMID: 22126750) (PVS1). This variant has been reported in several unrelated affected individuals (PMID: 21280141, 34570271, 31883305) (PS4_Moderate), while it is absent from control populations (PM2). Based on the current evidence, this variant is classified as pathogenic for autosomal dominant Kabuki syndrome 1.

GeneDx
Classification: Pathogenic. Last evaluated: 2023-06-12. Review status: criteria provided, single submitter. Criteria: GeneDx Variant Classification Process June 2021. Collection method: clinical testing. Allele origin: germline. Affected: yes.
Comment: Nonsense variant predicted to result in protein truncation or nonsense mediated decay in a gene for which loss of function is a known mechanism of disease; Not observed at significant frequency in large population cohorts (gnomAD); This variant is associated with the following publications: (PMID: 22126750, 21280141, 32135276, 33794347, 36097644, 31883305)

Institute for Medical Genetics and Human Genetics, Charité - Universitätsmedizin Berlin
Classification: Pathogenic for Kabuki syndrome 1. Last evaluated: 2022-09-16. Review status: criteria provided, single submitter. Criteria: ACMG Guidelines, 2015. Collection method: clinical testing. Allele origin: germline. Inheritance: Autosomal dominant inheritance. Affected: yes. Observed: 1 heterozygote.

Labcorp Genetics (formerly Invitae), Labcorp
Classification: Pathogenic for Kabuki syndrome. Last evaluated: 2022-02-09. Review status: criteria provided, single submitter. Criteria: Invitae Variant Classification Sherloc (09022015). Collection method: clinical testing. Allele origin: germline.
Comment: For these reasons, this variant has been classified as Pathogenic. ClinVar contains an entry for this variant (Variation ID: 620151). This premature translational stop signal has been observed in individual(s) with Kabuki syndrome (PMID: 21280141). In at least one individual the variant was observed to be de novo. This variant is not present in population databases (gnomAD no frequency). This sequence change creates a premature translational stop signal (p.Arg5340*) in the KMT2D gene. It is expected to result in an absent or disrupted protein product. Loss-of-function variants in KMT2D are known to be pathogenic (PMID: 22126750).

Ambry Genetics
Classification: Pathogenic for Inborn genetic diseases. Last evaluated: 2021-12-17. Review status: criteria provided, single submitter. Criteria: Ambry Variant Classification Scheme 2023. Collection method: clinical testing. Allele origin: germline.
Comment: The c.16018C>T (p.R5340*) alteration, located in exon 50 (coding exon 50) of the KMT2D gene, consists of a C to T substitution at nucleotide position 16018. This changes the amino acid from an arginine (R) to a stop codon at amino acid position 5340. This alteration is expected to result in loss of function by premature protein truncation or nonsense-mediated mRNA decay. This variant was not reported in population-based cohorts in the Genome Aggregation Database (gnomAD). This alteration has been reported de novo in a patient with a clinical diagnosis of Kabuki syndrome (Paulussen, 2011). Based on the available evidence, this alteration is classified as pathogenic.

Blueprint Genetics
Classification: Pathogenic for KMT2D-related disorders. Last evaluated: 2021-12-09. Review status: criteria provided, single submitter. Criteria: ACMG Guidelines, 2015. Collection method: clinical testing. Allele origin: germline. Affected: yes. Observed: 1 variant allele.

Molecular Genetics Lab, CHRU Brest
Classification: Pathogenic for Choanal atresia-athelia-hypothyroidism-delayed puberty-short stature syndrome; Kabuki syndrome 1. Review status: criteria provided, single submitter. Criteria: ACMG Guidelines, 2015. Collection method: clinical testing. Allele origin: de novo. Affected: yes.

Literature cited by the submitters: PubMed 22126750 (cited by Variantyx, Inc. and Labcorp Genetics (formerly Invitae), Labcorp); PubMed 21280141 (cited by 3 submitters); PubMed 34570271 (cited by Variantyx, Inc.); PubMed 31883305 (cited by Variantyx, Inc. and Ambry Genetics); PubMed 32135276 (cited by Ambry Genetics).

NM_003482.4(KMT2D):c.16018C>T (p.Arg5340Ter)

Gene: KMT2D (lysine methyltransferase 2D; minus strand). Cytogenetic location: 12q13.12.
Variant type: single nucleotide variant.
Coding change: c.16018C>T on transcript NM_003482.4 (MANE Select); coding-DNA position 16018, C replaced by T.
Protein change: p.Arg5340Ter; replaces arginine 5340 with a stop codon.
Molecular consequence: nonsense.
Genome position (GRCh38, 1-based): chr12:49,024,612, G>A on the plus strand (C>T on the coding strand, the complement: KMT2D is on the minus strand). VCF-style: chr12-49024612-G-A. GRCh37 (hg19) VCF-style: chr12-49418395-G-A.
Other names: short protein forms R5340*.
Identifiers: ClinVar variation 620151 (VCV000620151.14), dbSNP rs1565756115, ClinGen allele CA384681292.